The following is an entry in ClinVar:

ClinVar aggregate classification (germline): Uncertain significance. Review status: criteria provided, multiple submitters, no conflicts (2 of 4 stars). 2 submissions from 2 submitters: Uncertain significance (2). Last evaluated 2025-01-27.

Conditions:
Hereditary cancer-predisposing syndrome. Also called: Tumor predisposition; Hereditary neoplastic syndrome; Hereditary Cancer Syndrome; Neoplastic Syndromes, Hereditary. Identifiers: Orphanet 140162, MedGen C0027672, MeSH D009386, MONDO:0015356.

Submissions (2):

Ambry Genetics
Classification: Uncertain significance for Hereditary cancer-predisposing syndrome. Last evaluated: 2025-01-27. Review status: criteria provided, single submitter. Criteria: Ambry Variant Classification Scheme 2023. Collection method: clinical testing. Allele origin: germline.
Comment: The p.N1223H variant (also known as c.3667A>C), located in coding exon 24 of the ATM gene, results from an A to C substitution at nucleotide position 3667. The asparagine at codon 1223 is replaced by histidine, an amino acid with similar properties. This amino acid position is conserved. In addition, this alteration is predicted to be tolerated by in silico analysis. Based on the available evidence, the clinical significance of this variant remains unclear.

Color Diagnostics, LLC DBA Color Health
Classification: Uncertain significance for Hereditary cancer-predisposing syndrome. Last evaluated: 2024-03-06. Review status: criteria provided, single submitter. Criteria: ACMG Guidelines, 2015. Collection method: clinical testing. Allele origin: germline.
Comment: This missense variant replaces asparagine with histidine at codon 1223 of the ATM protein. Computational prediction suggests that this variant may not impact protein structure and function (internally defined REVEL score threshold <= 0.5, PMID: 27666373). To our knowledge, functional studies have not been reported for this variant. This variant has not been reported in individuals affected with hereditary cancer in the literature. This variant has not been identified in the general population by the Genome Aggregation Database (gnomAD). The available evidence is insufficient to determine the role of this variant in disease conclusively. Therefore, this variant is classified as a Variant of Uncertain Significance.

NM_000051.4(ATM):c.3667A>C (p.Asn1223His)

Gene: ATM (ATM serine/threonine kinase; plus strand). Cytogenetic location: 11q22.3.
Variant type: single nucleotide variant.
Coding change: c.3667A>C on transcript NM_000051.4 (MANE Select); coding-DNA position 3667, A replaced by C.
Protein change: p.Asn1223His; replaces asparagine 1223 with histidine.
Molecular consequence: missense variant.
Genome position (GRCh38, 1-based): chr11:108,282,800, A>C. VCF-style: chr11-108282800-A-C. GRCh37 (hg19) VCF-style: chr11-108153527-A-C.
Other names: c.3667A>C, p.Asn1223His (NM_001351834.2); short protein forms N1223H.
Identifiers: ClinVar variation 1171932 (VCV001171932.4), dbSNP rs1436681116, ClinGen allele CA382523144.